The following is an entry in ClinVar:

NM_002335.4(LRP5):c.303C>T (p.Asn101=)

Gene: LRP5 (LDL receptor related protein 5; plus strand). Cytogenetic location: 11q13.2.
Variant type: single nucleotide variant.
Coding change: c.303C>T on transcript NM_002335.4 (MANE Select); coding-DNA position 303, C replaced by T.
Protein change: p.Asn101=; no amino-acid change (asparagine 101 retained).
Molecular consequence: synonymous variant. On other transcripts: 5 prime UTR variant (1).
Genome position (GRCh38, 1-based): chr11:68,348,058, C>T. VCF-style: chr11-68348058-C-T. GRCh37 (hg19) VCF-style: chr11-68115526-C-T.
Other names: c.-1463C>T (NM_001291902.2).
Identifiers: ClinVar variation 389137 (VCV000389137.17), dbSNP rs372860842, ClinGen allele CA6148956.

ClinVar aggregate classification (germline): Likely benign. Review status: criteria provided, multiple submitters, no conflicts (2 of 4 stars). 4 submissions from 4 submitters: Likely benign (3). 1 of the submissions does not count toward it. Last evaluated 2026-01-26.

Conditions:
LRP5-related disorder. Also called: LRP5-related condition.

Allele frequency attached by ClinVar (database versions not stated): ESP Exome Variant Server 0.00008; gnomAD exomes 0.00010 and 0.00028; gnomAD 0.00011 and 0.00013; TOPMed 0.00021; ExAC 0.00027.
gnomAD v4.1: 176 of 1,613,964 alleles (0.011%); highest among the groups gnomAD compares: Middle Eastern, 0.066%; no homozygotes.

Submissions (4):

Labcorp Genetics (formerly Invitae), Labcorp
Classification: Likely benign. Last evaluated: 2026-01-26. Review status: criteria provided, single submitter. Criteria: Invitae Variant Classification Sherloc (09022015). Collection method: clinical testing. Allele origin: germline.

Blueprint Genetics
Classification: Likely benign. Last evaluated: 2024-10-15. Review status: criteria provided, single submitter. Criteria: ACMG Guidelines, 2015. Collection method: clinical testing. Allele origin: germline.

GeneDx
Classification: Likely benign. Last evaluated: 2020-05-11. Review status: criteria provided, single submitter. Criteria: GeneDx Variant Classification Process June 2021. Collection method: clinical testing. Allele origin: germline. Affected: yes.

PreventionGenetics, part of Exact Sciences
Classification: Likely benign for LRP5-related condition. Last evaluated: 2020-10-19. Review status: no assertion criteria provided. Collection method: clinical testing. Allele origin: germline. Not counted in ClinVar's aggregate classification.
Comment: This variant is classified as likely benign based on ACMG/AMP sequence variant interpretation guidelines (Richards et al. 2015 PMID: 25741868, with internal and published modifications).